The following is an entry in ClinVar:

NM_022124.6(CDH23):c.4207-18T>C

Genes: C10orf105 (chromosome 10 open reading frame 105; minus strand), CDH23 (cadherin related 23; plus strand). Cytogenetic location: 10q22.1.
Variant type: single nucleotide variant.
Coding change: c.4207-18T>C on transcript NM_022124.6 (MANE Select); 18 bases into the intron before coding-DNA position 4207, T replaced by C.
Molecular consequence: intron variant.
Genome position (GRCh38, 1-based): chr10:71,734,638, T>C. VCF-style: chr10-71734638-T-C. GRCh37 (hg19) VCF-style: chr10-73494395-T-C.
Other names: c.-6+3090A>G (NM_001168390.2).
Identifiers: ClinVar variation 136701 (VCV000136701.11), dbSNP rs77770890, ClinGen allele CA290022.

ClinVar aggregate classification (germline): Benign. Review status: criteria provided, multiple submitters, no conflicts (2 of 4 stars). 3 submissions from 3 submitters: Benign (3). Last evaluated 2026-02-04.

Allele frequency attached by ClinVar (database versions not stated): 1000 Genomes Project 0.01038; gnomAD exomes 0.01629; ExAC 0.01650; gnomAD 0.01696 and 0.01743; ESP Exome Variant Server 0.01850; 1000 Genomes Project 30x 0.01015; TOPMed 0.01589.
gnomAD v4.1: 31,565 of 1,500,316 alleles (2.1%); highest among the groups gnomAD compares: Non-Finnish European, 2.5%; 407 homozygotes.

Submissions (3):

Labcorp Genetics (formerly Invitae), Labcorp
Classification: Benign. Last evaluated: 2026-02-04. Review status: criteria provided, single submitter. Criteria: Invitae Variant Classification Sherloc (09022015). Collection method: clinical testing. Allele origin: germline.

GeneDx
Classification: Benign. Last evaluated: 2013-03-27. Review status: criteria provided, single submitter. Criteria: GeneDx Variant Classification (06012015). Collection method: clinical testing. Allele origin: germline. Affected: yes.
Comment: This variant is considered likely benign or benign based on one or more of the following criteria: it is a conservative change, it occurs at a poorly conserved position in the protein, it is predicted to be benign by multiple in silico algorithms, and/or has population frequency not consistent with disease.

Breakthrough Genomics
Classification: Benign. Review status: criteria provided, single submitter. Criteria: ACMG Guidelines, 2015. Collection method: not provided. Allele origin: germline. Inheritance: Autosomal recessive inheritance. Affected: yes.